The following is an entry in ClinVar:

ClinVar aggregate classification (germline): Likely pathogenic. Review status: criteria provided, multiple submitters, no conflicts (2 of 4 stars). 2 submissions from 2 submitters: Likely pathogenic (2). Last evaluated 2023-08-16.

Conditions:
KCNQ1-related disorder. Also called: KCNQ1-related condition; KCNQ1-related disorders. Identifiers: MedGen CN239322.

Submissions (2):

Blueprint Genetics
Classification: Likely pathogenic for KCNQ1-related disorders. Last evaluated: 2023-08-16. Review status: criteria provided, single submitter. Criteria: ACMG Guidelines, 2015. Collection method: clinical testing. Allele origin: germline. Affected: yes. Observed: 5 variant alleles.

GeneDx
Classification: Likely pathogenic. Last evaluated: 2021-04-12. Review status: criteria provided, single submitter. Criteria: GeneDx Variant Classification Process June 2021. Collection method: clinical testing. Allele origin: germline. Affected: yes.
Comment: Has not been previously published as pathogenic or benign to our knowledge; Not observed in large population cohorts (Lek et al., 2016); In silico analysis supports that this missense variant has a deleterious effect on protein structure/function

NM_000218.3(KCNQ1):c.911G>C (p.Trp304Ser)

Gene: KCNQ1 (potassium voltage-gated channel subfamily Q member 1; plus strand). Cytogenetic location: 11p15.5.
Variant type: single nucleotide variant.
Coding change: c.911G>C on transcript NM_000218.3 (MANE Select); coding-DNA position 911, G replaced by C.
Protein change: p.Trp304Ser; replaces tryptophan 304 with serine.
Molecular consequence: missense variant.
Genome position (GRCh38, 1-based): chr11:2,572,976, G>C. VCF-style: chr11-2572976-G-C. GRCh37 (hg19) VCF-style: chr11-2594206-G-C.
Other names: c.911G>C, p.Trp304Ser (NM_001406836.1); c.641G>C, p.Trp214Ser (NM_001406837.1); c.530G>C, p.Trp177Ser (NM_181798.2); short protein forms W177S, W304S, W214S.
Identifiers: ClinVar variation 1212402 (VCV001212402.6), dbSNP rs2133733048, ClinGen allele CA379131758.